The following is an entry in ClinVar:

ClinVar aggregate classification (germline): Uncertain significance (1 of 4 stars; one submission).

Conditions:
PCNT-related disorder. Also called: PCNT-related condition.

gnomAD v4.1: 56 of 1,614,014 alleles (0.0035%); highest among the groups gnomAD compares: Non-Finnish European, 0.0045%; no homozygotes.

Submission:

PreventionGenetics, part of Exact Sciences
Classification: Uncertain significance for PCNT-related condition. Last evaluated: 2025-11-18. Review status: criteria provided, single submitter. Criteria: ACMG Guidelines, 2015. Collection method: clinical testing. Allele origin: germline.
Comment: The PCNT c.1643C>T variant is predicted to result in the amino acid substitution p.Ala548Val. To our knowledge, this variant has not been reported in the literature. This variant is reported in 0.0062% of alleles in individuals of African descent in gnomAD. At this time, the clinical significance of this variant is uncertain due to the absence of conclusive functional and genetic evidence.

NM_006031.6(PCNT):c.1643C>T (p.Ala548Val)

Gene: PCNT (pericentrin; plus strand). Cytogenetic location: 21q22.3.
Variant type: single nucleotide variant.
Coding change: c.1643C>T on transcript NM_006031.6 (MANE Select); coding-DNA position 1643, C replaced by T.
Protein change: p.Ala548Val; replaces alanine 548 with valine.
Molecular consequence: missense variant.
Genome position (GRCh38, 1-based): chr21:46,353,290, C>T. VCF-style: chr21-46353290-C-T. GRCh37 (hg19) VCF-style: chr21-47773204-C-T.
Other names: c.1289C>T, p.Ala430Val (NM_001315529.2); short protein forms A430V, A548V.
Identifiers: ClinVar variation 4983882 (VCV004983882.1).
Genomic context (GRCh38, chr21:46,353,290, plus strand): 5'-GGGATGCTGAGAAAACTTACCAAGAAGACCTAACCCTGTTACAGCAGAGGCTGCAGGGGG[C>T]GAGGGAAGATGCTCTTCTGGACTCTGTGGAAGTTGGGTAAGCAAAGCAGTTCCAGCCTCA-3'
Protein context (NP_006022.3, residues 538-558): LTLLQQRLQG[Ala548Val]REDALLDSVE